The following is an entry in ClinVar:

NM_177986.5(DSG4):c.3069G>A (p.Met1023Ile)

Genes: DSG4 (desmoglein 4; plus strand), DSG1-AS1 (DSG1 antisense RNA 1; minus strand). Cytogenetic location: 18q12.1.
Variant type: single nucleotide variant.
Coding change: c.3069G>A on transcript NM_177986.5 (MANE Select); coding-DNA position 3069, G replaced by A.
Protein change: p.Met1023Ile; replaces methionine 1023 with isoleucine.
Molecular consequence: missense variant.
Genome position (GRCh38, 1-based): chr18:31,413,541, G>A. VCF-style: chr18-31413541-G-A. GRCh37 (hg19) VCF-style: chr18-28993504-G-A.
Other names: c.3126G>A, p.Met1042Ile (NM_001134453.3); short protein forms M1023I, M1042I.
Identifiers: ClinVar variation 326459 (VCV000326459.14), dbSNP rs60800275, ClinGen allele CA8927465.

ClinVar aggregate classification (germline): Benign/Likely benign. Review status: criteria provided, multiple submitters, no conflicts (2 of 4 stars). 3 submissions from 3 submitters: Benign (1); Likely benign (2). Last evaluated 2026-01-27.

Conditions:
Hypotrichosis 6 (HYPT6). Also called: HYPOTRICHOSIS, LOCALIZED, AUTOSOMAL RECESSIVE 1; MONILETHRIX-LIKE HYPOTRICHOSIS. Identifiers: Orphanet 55654, MedGen C1842839, MONDO:0011932, OMIM 607903.

Allele frequency attached by ClinVar (database versions not stated): gnomAD exomes 0.00522; ExAC 0.00656; 1000 Genomes Project 0.01937; 1000 Genomes Project 30x 0.01983; gnomAD 0.02055 and 0.02223; TOPMed 0.02248; ESP Exome Variant Server 0.02338.

Submissions (3):

Labcorp Genetics (formerly Invitae), Labcorp
Classification: Benign. Last evaluated: 2026-01-27. Review status: criteria provided, single submitter. Criteria: Invitae Variant Classification Sherloc (09022015). Collection method: clinical testing. Allele origin: germline.

Illumina Laboratory Services, Illumina
Classification: Likely benign for Hypotrichosis 6. Last evaluated: 2017-04-28. Review status: criteria provided, single submitter. Criteria: ICSL Variant Classification Criteria 13 December 2019. Collection method: clinical testing. Allele origin: germline.
Comment: This variant was observed as part of a predisposition screen in an ostensibly healthy population. A literature search was performed for the gene, cDNA change, and amino acid change (where applicable). No publications were found based on this search. Allele frequency data from public databases allowed determination this variant is unlikely to cause disease. Therefore, this variant is classified as likely benign.

Breakthrough Genomics
Classification: Likely benign. Review status: criteria provided, single submitter. Criteria: ACMG Guidelines, 2015. Collection method: not provided. Allele origin: germline. Inheritance: Autosomal recessive inheritance. Affected: yes.